The following is an entry in ClinVar:

ClinVar aggregate classification (germline): Uncertain significance (1 of 4 stars; one submission).

Submission:

Labcorp Genetics (formerly Invitae), Labcorp
Classification: Uncertain significance. Last evaluated: 2022-07-05. Review status: criteria provided, single submitter. Criteria: Invitae Variant Classification Sherloc (09022015). Collection method: clinical testing. Allele origin: germline.
Comment: This sequence change replaces phenylalanine, which is neutral and non-polar, with cysteine, which is neutral and slightly polar, at codon 73 of the CYP4V2 protein (p.Phe73Cys). This variant is not present in population databases (gnomAD no frequency). This variant has not been reported in the literature in individuals affected with CYP4V2-related conditions. Algorithms developed to predict the effect of missense changes on protein structure and function (SIFT, PolyPhen-2, Align-GVGD) all suggest that this variant is likely to be disruptive. This variant disrupts the p.Phe73 amino acid residue in CYP4V2. Other variant(s) that disrupt this residue have been determined to be pathogenic (PMID: 24739949). This suggests that this residue is clinically significant, and that variants that disrupt this residue are likely to be disease-causing. In summary, the available evidence is currently insufficient to determine the role of this variant in disease. Therefore, it has been classified as a Variant of Uncertain Significance.

Literature cited by the submitters: PubMed 24739949.

NM_207352.4(CYP4V2):c.218T>G (p.Phe73Cys)

Gene: CYP4V2 (cytochrome P450 family 4 subfamily V member 2; plus strand). Cytogenetic location: 4q35.1.
Variant type: single nucleotide variant.
Coding change: c.218T>G on transcript NM_207352.4 (MANE Select); coding-DNA position 218, T replaced by G.
Protein change: p.Phe73Cys; replaces phenylalanine 73 with cysteine.
Molecular consequence: missense variant.
Genome position (GRCh38, 1-based): chr4:186,194,503, T>G. VCF-style: chr4-186194503-T-G. GRCh37 (hg19) VCF-style: chr4-187115657-T-G.
Other names: short protein forms F73C.
Identifiers: ClinVar variation 1917266 (VCV001917266.5), dbSNP rs2478898233, ClinGen allele CA358946799.